The following is an entry in ClinVar:

ClinVar aggregate classification (germline): Uncertain significance (1 of 4 stars; one submission).

Conditions:
Intellectual developmental disorder, autosomal dominant 52. Also called: Intellectual disability, autosomal dominant 52; Mental retardation, autosomal dominant 52. Identifiers: MedGen C4540478, MONDO:0030918, OMIM 617796.

gnomAD v4.1: 2 of 1,614,092 alleles (0.00012%); highest among the groups gnomAD compares: African/African-American, 0.0013%; no homozygotes.

Submission:

Juno Genomics, Hangzhou Juno Genomics, Inc
Classification: Uncertain significance for Intellectual developmental disorder, autosomal dominant 52. Review status: criteria provided, single submitter. Criteria: ACMG Guidelines, 2015. Collection method: clinical testing. Allele origin: germline. Affected: yes.
Comment: Absent from controls (or at extremely low frequency if recessive) in Genome Aggregation Database, Exome Sequencing Project, 1000 Genomes Project, or Exome Aggregation Consortium.;De novo (both maternity and paternity confirmed) in a patient with the disease and no family history.

NM_018489.3(ASH1L):c.6374G>A (p.Gly2125Asp)

Gene: ASH1L (ASH1 like histone lysine methyltransferase; minus strand). Cytogenetic location: 1q22.
Variant type: single nucleotide variant.
Coding change: c.6374G>A on transcript NM_018489.3 (MANE Select); coding-DNA position 6374, G replaced by A.
Protein change: p.Gly2125Asp; replaces glycine 2125 with aspartic acid.
Molecular consequence: missense variant.
Genome position (GRCh38, 1-based): chr1:155,370,942, C>T on the plus strand (G>A on the coding strand, the complement: ASH1L is on the minus strand). VCF-style: chr1-155370942-C-T. GRCh37 (hg19) VCF-style: chr1-155340733-C-T.
Other names: c.6389G>A, p.Gly2130Asp (NM_001366177.2); short protein forms G2125D, G2130D.
Identifiers: ClinVar variation 3382537 (VCV003382537.2).
Genomic context (GRCh38, chr1:155,370,942, plus strand): 5'-AATCGTTCTAGACATTGCACCCATTCATGCCTCTGTATCCTCTGGTTACAGCATTGCTCG[C>T]CACATGGGCAAGTGTTGGGGGAACACTCAGCAAAGATCATTCTAGAAAAAAAAGGAATAA-3'
Protein context (NP_060959.2, residues 2115-2135): AECSPNTCPC[Gly2125Asp]EQCCNQRIQR